The following is an entry in ClinVar:

NM_000179.3(MSH6):c.2177T>A (p.Phe726Tyr)

Gene: MSH6 (mutS homolog 6; plus strand). Cytogenetic location: 2p16.3.
Variant type: single nucleotide variant.
Coding change: c.2177T>A on transcript NM_000179.3 (MANE Select); coding-DNA position 2177, T replaced by A.
Protein change: p.Phe726Tyr; replaces phenylalanine 726 with tyrosine.
Molecular consequence: missense variant.
Genome position (GRCh38, 1-based): chr2:47,800,160, T>A. VCF-style: chr2-47800160-T-A. GRCh37 (hg19) VCF-style: chr2-48027299-T-A.
Other names: c.1787T>A, p.Phe596Tyr (NM_001281492.2); c.1271T>A, p.Phe424Tyr (NM_001281493.2, NM_001281494.2); short protein forms F726Y, F596Y, F424Y.
Identifiers: ClinVar variation 89259 (VCV000089259.39), dbSNP rs574358605, ClinGen allele CA009822.

ClinVar aggregate classification (germline): Conflicting classifications of pathogenicity. Review status: criteria provided, conflicting classifications (1 of 4 stars). 14 submissions from 14 submitters: Uncertain significance (9); Likely benign (1). 4 of the submissions do not count toward it. Last evaluated 2025-12-17.

Conditions:
MSH6-related disorder. Also called: MSH6-related condition; MSH6-Related disorders.
Hereditary nonpolyposis colorectal neoplasms. Identifiers: MedGen C0009405, MeSH D003123.
Hereditary cancer-predisposing syndrome. Also called: Hereditary Cancer Syndrome; Tumor predisposition; Neoplastic Syndromes, Hereditary; Hereditary neoplastic syndrome. Identifiers: Orphanet 140162, MedGen C0027672, MeSH D009386, MONDO:0015356.
Lynch syndrome. Identifiers: Orphanet 144, MedGen C4552100, MONDO:0005835. Disease mechanism: loss of function.
Lynch syndrome 5 (LYNCH5). Also called: Hereditary non-polyposis colorectal cancer, type 5; Colorectal cancer, hereditary nonpolyposis, type 5. Identifiers: Orphanet 144, MedGen C1833477, MONDO:0013710, OMIM 614350. Disease mechanism: loss of function.
Endometrial carcinoma. Also called: Endometrial carcinoma, somatic. Identifiers: MedGen C0476089, MONDO:0002447, OMIM 608089, HP:0012114.

Allele frequency attached by ClinVar (database versions not stated): ExAC 0.00001; gnomAD exomes 0.00001.

Submissions (14):

Labcorp Genetics (formerly Invitae), Labcorp
Classification: Likely benign for Hereditary nonpolyposis colorectal neoplasms. Last evaluated: 2025-12-17. Review status: criteria provided, single submitter. Criteria: Invitae Variant Classification Sherloc (09022015). Collection method: clinical testing. Allele origin: germline.

Women's Health and Genetics/Laboratory Corporation of America, LabCorp
Classification: Uncertain significance. Last evaluated: 2025-11-28. Review status: criteria provided, single submitter. Criteria: LabCorp Variant Classification Summary - May 2015. Collection method: clinical testing. Allele origin: germline.
Comment: Variant summary: MSH6 c.2177T>A (p.Phe726Tyr) results in a conservative amino acid change in the encoded protein sequence. Algorithms developed to predict the effect of missense changes on protein structure and function are either unavailable or do not agree on the potential impact of this missense change. The variant allele was found at a frequency of 1.2e-05 in 250960 control chromosomes (gnomAD). The available data on variant occurrences in the general population are insufficient to allow any conclusion about variant significance. c.2177T>A has been observed in individuals affected with colorectal cancer (Garcia_2022) or with breast cancer, as well as unaffected controls (Dorling_2021). These reports do not provide unequivocal conclusions about association of the variant with Lynch Syndrome. To our knowledge, no experimental evidence demonstrating an impact on protein function has been reported. The following publications have been ascertained in the context of this evaluation (PMID: 33471991, 35181726). ClinVar contains an entry for this variant (Variation ID: 89259). Based on the evidence outlined above, the variant was classified as uncertain significance.

PreventionGenetics, part of Exact Sciences
Classification: Uncertain significance for MSH6-related condition. Last evaluated: 2025-10-31. Review status: criteria provided, single submitter. Criteria: ACMG Guidelines, 2015. Collection method: clinical testing. Allele origin: germline.
Comment: The MSH6 c.2177T>A variant is predicted to result in the amino acid substitution p.Phe726Tyr. In a large breast cancer case-control study this variant has been reported in four cases and in three unaffected controls (Breast Cancer Association Consortium et al. 2021. PubMed ID: 33471991). This variant has interpretations ranging from likely benign to uncertain in ClinVar (Variation ID: 89259). This variant is reported in 0.0026% of alleles in individuals of European (Non-Finnish) descent in gnomAD. At this time, the clinical significance of this variant is uncertain due to the absence of conclusive functional and genetic evidence.

Quest Diagnostics Nichols Institute San Juan Capistrano
Classification: Uncertain significance. Last evaluated: 2025-08-05. Review status: criteria provided, single submitter. Criteria: Quest Diagnostics criteria. Collection method: clinical testing. Allele origin: unknown.
Comment: The MSH6 c.2177T>A (p.Phe726Tyr) variant has been reported in the published literature in individuals with breast cancer as well as reportedly unaffected individual (PMID: 33471991 (2021), see also LOVD). The frequency of this variant in the general population (Genome Aggregation Database) is uninformative in the assessment of its pathogenicity. Analysis of this variant using bioinformatics tools for the prediction of the effect of amino acid changes on protein structure and function yielded conflicting predictions that this variant is benign or damaging. Based on the available information, we are unable to determine the clinical significance of this variant.

Color Diagnostics, LLC DBA Color Health
Classification: Uncertain significance for Hereditary cancer-predisposing syndrome. Last evaluated: 2025-03-17. Review status: criteria provided, single submitter. Criteria: ACMG Guidelines, 2015. Collection method: clinical testing. Allele origin: germline.
Comment: This missense variant replaces phenylalanine with tyrosine at codon 726 of the MSH6 protein. Computational prediction tool is inconclusive regarding the impact of this variant on protein structure and function. To our knowledge, functional studies have not been performed for this variant. In a large breast cancer case-control study, this variant has been reported in 4/60466 cases and 3/53461 unaffected controls (PMID: 33471991). This variant has been identified in 3/250960 chromosomes in the general population by the Genome Aggregation Database (gnomAD). The available evidence is insufficient to determine the role of this variant in disease conclusively. Therefore, this variant is classified as a Variant of Uncertain Significance.

Ambry Genetics
Classification: Uncertain significance for Hereditary cancer-predisposing syndrome. Last evaluated: 2024-07-24. Review status: criteria provided, single submitter. Criteria: Ambry Variant Classification Scheme 2023. Collection method: clinical testing. Allele origin: germline.
Comment: The p.F726Y variant (also known as c.2177T>A), located in coding exon 4 of the MSH6 gene, results from a T to A substitution at nucleotide position 2177. The phenylalanine at codon 726 is replaced by tyrosine, an amino acid with highly similar properties. This amino acid position is highly conserved in available vertebrate species. In addition, the in silico prediction for this alteration is inconclusive. Based on the available evidence, the clinical significance of this variant remains unclear.

All of Us Research Program, National Institutes of Health
Classification: Uncertain significance for Lynch syndrome. Last evaluated: 2024-02-05. Review status: criteria provided, single submitter. Criteria: ACMG Guidelines, 2015. Collection method: clinical testing. Allele origin: germline. Inheritance: Autosomal dominant inheritance. Observed: 3 variant alleles, 3 heterozygotes.
Comment: This missense variant replaces phenylalanine with tyrosine at codon 726 of the MSH6 protein. Computational prediction tool is inconclusive regarding the impact of this variant on protein structure and function (internally defined REVEL score threshold 0.5 < inconclusive < 0.7, PMID: 27666373). Splice site prediction tools suggest that this variant may not impact RNA splicing. To our knowledge, functional studies have not been performed for this variant. This variant has been reported in individuals affected with breast cancer and in healthy control individuals (PMID: 33471991). This variant has been identified in 3/250960 chromosomes in the general population by the Genome Aggregation Database (gnomAD). The available evidence is insufficient to determine the role of this variant in disease conclusively. Therefore, this variant is classified as a Variant of Uncertain Significance.

This study involves interpretation of variants in research participants for the purpose of population health screening. Participant phenotype was not available at the time of variant classification. Additional details can be found in publication PMID: 35346344, PMCID: PMC8962531

GeneDx
Classification: Uncertain significance. Last evaluated: 2023-08-29. Review status: criteria provided, single submitter. Criteria: GeneDx Variant Classification Process June 2021. Collection method: clinical testing. Allele origin: germline. Affected: yes.
Comment: Not observed at significant frequency in large population cohorts (gnomAD); In silico analysis, which includes protein predictors and evolutionary conservation, supports that this variant does not alter protein structure/function; Has not been previously published as pathogenic or benign to our knowledge; This variant is associated with the following publications: (PMID: 26333163, 17531815, 21120944)

Baylor Genetics
Classification: Uncertain significance for Endometrial carcinoma. Last evaluated: 2023-07-23. Review status: criteria provided, single submitter. Criteria: ACMG Guidelines, 2015. Collection method: clinical testing. Allele origin: unknown.

Myriad Genetics, Inc.
Classification: Uncertain significance for Lynch syndrome 5. Last evaluated: 2023-03-29. Review status: criteria provided, single submitter. Criteria: Myriad Autosomal Dominant, Autosomal Recessive and X-Linked Classification Criteria (2023). Collection method: clinical testing. Allele origin: unknown.
Comment: This variant is classified as a variant of uncertain significance as there is insufficient evidence to determine its impact on protein function and/or cancer risk.

Counsyl
Classification: Uncertain significance for Lynch syndrome 5. Last evaluated: 2017-03-27. Review status: no assertion criteria provided. Collection method: clinical testing. Allele origin: unknown. Not counted in ClinVar's aggregate classification.

Clinical Genetics DNA and cytogenetics Diagnostics Lab, Erasmus MC, Erasmus Medical Center
Classification: Uncertain significance. Review status: no assertion criteria provided. Collection method: clinical testing. Allele origin: germline. Affected: yes. Study: VKGL Data-share Consensus. Not counted in ClinVar's aggregate classification.

Clinical Genetics, Academic Medical Center
Classification: Uncertain significance. Review status: no assertion criteria provided. Collection method: clinical testing. Allele origin: germline. Affected: yes. Study: VKGL Data-share Consensus. Not counted in ClinVar's aggregate classification.

Joint Genome Diagnostic Labs from Nijmegen and Maastricht, Radboudumc and MUMC+
Classification: Uncertain significance. Review status: no assertion criteria provided. Collection method: clinical testing. Allele origin: germline. Affected: yes. Study: VKGL Data-share Consensus. Not counted in ClinVar's aggregate classification.

Literature cited by the submitters: PubMed 33471991 (cited by 4 submitters); PubMed 35181726 (cited by Women's Health and Genetics/Laboratory Corporation of America, LabCorp); PubMed 26333163 (cited by Quest Diagnostics Nichols Institute San Juan Capistrano and Counsyl).